The following is an entry in ClinVar:

NM_006914.4(RORB):c.488C>T (p.Pro163Leu)

Gene: RORB (RAR related orphan receptor B; plus strand). Cytogenetic location: 9q21.13.
Variant type: single nucleotide variant.
Coding change: c.488C>T on transcript NM_006914.4 (MANE Select); coding-DNA position 488, C replaced by T.
Protein change: p.Pro163Leu; replaces proline 163 with leucine.
Molecular consequence: missense variant.
Genome position (GRCh38, 1-based): chr9:74,642,666, C>T. VCF-style: chr9-74642666-C-T. GRCh37 (hg19) VCF-style: chr9-77257582-C-T.
Other names: c.521C>T, p.Pro174Leu (NM_001365023.1); short protein forms P163L, P174L.
Identifiers: ClinVar variation 2835700 (VCV002835700.3), dbSNP rs766539793, ClinGen allele CA373769969.

ClinVar aggregate classification (germline): Uncertain significance (1 of 4 stars; one submission).

gnomAD v4.1: 7 of 1,614,176 alleles (0.00043%); highest among the groups gnomAD compares: South Asian, 0.0011%; no homozygotes.

Submission:

Labcorp Genetics (formerly Invitae), Labcorp
Classification: Uncertain significance. Last evaluated: 2023-11-03. Review status: criteria provided, single submitter. Criteria: Invitae Variant Classification Sherloc (09022015). Collection method: clinical testing. Allele origin: germline.
Comment: This sequence change replaces proline, which is neutral and non-polar, with leucine, which is neutral and non-polar, at codon 163 of the RORB protein (p.Pro163Leu). This variant is not present in population databases (gnomAD no frequency). This variant has not been reported in the literature in individuals affected with RORB-related conditions. An algorithm developed to predict the effect of missense changes on protein structure and function (PolyPhen-2) suggests that this variant is likely to be tolerated. In summary, the available evidence is currently insufficient to determine the role of this variant in disease. Therefore, it has been classified as a Variant of Uncertain Significance.